The following is an entry in ClinVar:

ClinVar aggregate classification (germline): Uncertain significance (1 of 4 stars; one submission).

Conditions:
Intellectual developmental disorder with dysmorphic facies and behavioral abnormalities. Identifiers: MedGen C4748135, MONDO:0060760, OMIM 618089.

Submission:

Institute of Human Genetics, University of Leipzig Medical Center
Classification: Uncertain significance for Intellectual developmental disorder with dysmorphic facies and behavioral abnormalities. Last evaluated: 2023-12-18. Review status: criteria provided, single submitter. Criteria: ACMG Guidelines, 2015. Collection method: clinical testing. Allele origin: unknown. Inheritance: Autosomal dominant inheritance. Affected: yes.
Comment: Criteria applied: PM1,PM2_SUP,PP3

NM_001190274.2(FBXO11):c.1844A>G (p.Asn615Ser)

Gene: FBXO11 (F-box protein 11; minus strand). Cytogenetic location: 2p16.3.
Variant type: single nucleotide variant.
Coding change: c.1844A>G on transcript NM_001190274.2 (MANE Select); coding-DNA position 1844, A replaced by G.
Protein change: p.Asn615Ser; replaces asparagine 615 with serine.
Molecular consequence: missense variant.
Genome position (GRCh38, 1-based): chr2:47,819,032, T>C on the plus strand (A>G on the coding strand, the complement: FBXO11 is on the minus strand). VCF-style: chr2-47819032-T-C. GRCh37 (hg19) VCF-style: chr2-48046171-T-C.
Other names: c.1592A>G, p.Asn531Ser (NM_001374325.1, NM_025133.4); short protein forms N531S, N615S.
Identifiers: ClinVar variation 2691888 (VCV002691888.2), dbSNP rs2531058917, ClinGen allele CA346764071.